The following is an entry in ClinVar:

NM_000096.4(CP):c.669G>C (p.Val223=)

Gene: CP (ceruloplasmin; minus strand). Cytogenetic location: 3q25.1.
Variant type: single nucleotide variant.
Coding change: c.669G>C on transcript NM_000096.4 (MANE Select); coding-DNA position 669, G replaced by C.
Protein change: p.Val223=; no amino-acid change (valine 223 retained).
Molecular consequence: synonymous variant. On other transcripts: non-coding transcript variant (1).
Genome position (GRCh38, 1-based): chr3:149,209,323, C>G on the plus strand (G>C on the coding strand, the complement: CP is on the minus strand). VCF-style: chr3-149209323-C-G. GRCh37 (hg19) VCF-style: chr3-148927110-C-G.
Other names: p.Val223=.
Identifiers: ClinVar variation 343785 (VCV000343785.18), dbSNP rs35438054, ClinGen allele CA2661263.

ClinVar aggregate classification (germline): Benign. Review status: criteria provided, multiple submitters, no conflicts (2 of 4 stars). 5 submissions from 5 submitters: Benign (4). 1 of the submissions does not count toward it. Last evaluated 2026-01-28.

Conditions:
CP-related disorder. Also called: CP-related condition.
Deficiency of ferroxidase (ACEP). Also called: Deficiency of ceruloplasmin; Aceruloplasminemia; Ceruloplasmin deficiency; Familial apoceruloplasmin deficiency; Hereditary ceruloplasmin deficiency; NEURODEGENERATION WITH BRAIN IRON ACCUMULATION 10. Identifiers: Orphanet 48818, MedGen C0878682, MONDO:0011426, OMIM 604290, HP:0025498.

Allele frequency attached by ClinVar (database versions not stated): gnomAD exomes 0.00154; ExAC 0.00204; gnomAD 0.00562 and 0.00599; TOPMed 0.00673; ESP Exome Variant Server 0.00700; 1000 Genomes Project 0.00839; 1000 Genomes Project 30x 0.00906.
gnomAD v4.1: 1,771 of 1,613,756 alleles (0.11%); highest among the groups gnomAD compares: African/African-American, 2%; 18 homozygotes.

Submissions (5):

Labcorp Genetics (formerly Invitae), Labcorp
Classification: Benign for Deficiency of ferroxidase. Last evaluated: 2026-01-28. Review status: criteria provided, single submitter. Criteria: Invitae Variant Classification Sherloc (09022015). Collection method: clinical testing. Allele origin: germline.

Mayo Clinic Laboratories, Mayo Clinic
Classification: Benign. Last evaluated: 2023-06-09. Review status: criteria provided, single submitter. Criteria: ACMG Guidelines, 2015. Collection method: clinical testing. Allele origin: germline. Observed: 2 variant alleles.
Comment: BS1, BS2, BP4, BP7

GeneDx
Classification: Benign. Last evaluated: 2021-05-12. Review status: criteria provided, single submitter. Criteria: GeneDx Variant Classification Process June 2021. Collection method: clinical testing. Allele origin: germline. Affected: yes.

Illumina Laboratory Services, Illumina
Classification: Benign for Deficiency of ferroxidase. Last evaluated: 2018-01-13. Review status: criteria provided, single submitter. Criteria: ICSL Variant Classification Criteria 13 December 2019. Collection method: clinical testing. Allele origin: germline.
Comment: This variant was observed in the ICSL laboratory as part of a predisposition screen in an ostensibly healthy population. It had not been previously curated by ICSL or reported in the Human Gene Mutation Database (HGMD: prior to June 1st, 2018), and was therefore a candidate for classification through an automated scoring system. Utilizing variant allele frequency, disease prevalence and penetrance estimates, and inheritance mode, an automated score was calculated to assess if this variant is too frequent to cause the disease. Based on the score and internal cut-off values, a variant classified as benign is not then subjected to further curation. The score for this variant resulted in a classification of benign for this disease.

PreventionGenetics, part of Exact Sciences
Classification: Benign for CP-related condition. Last evaluated: 2024-08-28. Review status: no assertion criteria provided. Collection method: clinical testing. Allele origin: germline. Not counted in ClinVar's aggregate classification.
Comment: This variant is classified as benign based on ACMG/AMP sequence variant interpretation guidelines (Richards et al. 2015 PMID: 25741868, with internal and published modifications).